The following is an entry in ClinVar:

ClinVar aggregate classification (germline): Conflicting classifications of pathogenicity. Review status: criteria provided, conflicting classifications (1 of 4 stars). 5 submissions from 5 submitters: Uncertain significance (2); Likely benign (3). Last evaluated 2025-12-13.

Conditions:
Severe hydrocephalus. Identifiers: MedGen C3278123, HP:0006882.
Encephalocele. Also called: Bifid cranium; Cranial meningoencephalocele; Craniocele. Identifiers: MedGen C4551722, HP:0002084.
SZT2-related disorder. Also called: SZT2-related condition.

Allele frequency attached by ClinVar (database versions not stated): gnomAD 0.00014 and 0.00017; TOPMed 0.00022; 1000 Genomes Project 30x 0.00031; ExAC 0.00035; 1000 Genomes Project 0.00040.
gnomAD v4.1: 207 of 1,614,220 alleles (0.013%); highest among the groups gnomAD compares: East Asian, 0.41%; no homozygotes.

Submissions (5):

Labcorp Genetics (formerly Invitae), Labcorp
Classification: Likely benign. Last evaluated: 2025-12-13. Review status: criteria provided, single submitter. Criteria: Invitae Variant Classification Sherloc (09022015). Collection method: clinical testing. Allele origin: germline.

PreventionGenetics, part of Exact Sciences
Classification: Uncertain significance for SZT2-related condition. Last evaluated: 2025-11-04. Review status: criteria provided, single submitter. Criteria: ACMG Guidelines, 2015. Collection method: clinical testing. Allele origin: germline.
Comment: The SZT2 c.3467G>A variant is predicted to result in the amino acid substitution p.Arg1156His. This variant was reported in a compound heterozygous state in a fetus with hydrocephalus and encephalocele (Guo et al. 2020. PubMed ID: 31680349). This variant is reported in 0.57% of alleles in individuals of East Asian descent in gnomAD, which may be too frequent to be a primary cause of disease . Although we suspect that this variant may be benign, at this time, the clinical significance of this variant is uncertain due to the absence of conclusive functional and genetic evidence.

CeGaT Center for Human Genetics Tuebingen
Classification: Likely benign. Last evaluated: 2023-11-01. Review status: criteria provided, single submitter. Criteria: CeGaT Center For Human Genetics Tuebingen Variant Classification Criteria Version 2. Collection method: clinical testing. Allele origin: germline. Affected: yes. Observed: 2 variant alleles.
Comment: SZT2: BP4

Center for Reproductive Medicine, Peking University Third Hospital
Classification: Uncertain significance for Severe hydrocephalus; Encephalocele. Last evaluated: 2019-10-16. Review status: criteria provided, single submitter. Criteria: ACMG Guidelines, 2015. Collection method: clinical testing. Allele origin: germline. Affected: yes.

GeneDx
Classification: Likely benign. Last evaluated: 2019-03-26. Review status: criteria provided, single submitter. Criteria: GeneDx Variant Classification Process June 2021. Collection method: clinical testing. Allele origin: germline. Affected: yes.
Comment: See Variant Classification Assertion Criteria.

Literature cited by the submitters: PubMed 23932106 (cited by Center for Reproductive Medicine, Peking University Third Hospital); PubMed 31680349 (cited by Center for Reproductive Medicine, Peking University Third Hospital).

NM_001365999.1(SZT2):c.3638G>A (p.Arg1213His)

Gene: SZT2 (SZT2 subunit of KICSTOR complex; plus strand). Cytogenetic location: 1p34.2.
Variant type: single nucleotide variant.
Coding change: c.3638G>A on transcript NM_001365999.1 (MANE Select); coding-DNA position 3638, G replaced by A.
Protein change: p.Arg1213His; replaces arginine 1213 with histidine.
Molecular consequence: missense variant.
Genome position (GRCh38, 1-based): chr1:43,427,569, G>A. VCF-style: chr1-43427569-G-A. GRCh37 (hg19) VCF-style: chr1-43893240-G-A.
Other names: c.3467G>A, p.Arg1156His (NM_015284.4); short protein forms R1213H, R1156H.
Identifiers: ClinVar variation 696651 (VCV000696651.48), dbSNP rs187427261, ClinGen allele CA809050.